The following is an entry in ClinVar:

ClinVar aggregate classification (germline): Likely benign. Review status: criteria provided, multiple submitters, no conflicts (2 of 4 stars). 2 submissions from 2 submitters: Likely benign (2). Last evaluated 2021-09-08.

Conditions:
Ehlers-Danlos syndrome, classic type, 1 (EDSCL1). Also called: EHLERS-DANLOS SYNDROME, GRAVIS TYPE; EHLERS-DANLOS SYNDROME, SEVERE CLASSIC TYPE; EDS I; Ehlers-Danlos Syndrome, Classic Type, COL5A1-Related; Ehlers-Danlos syndrome, type 1. Identifiers: MedGen C0268335, MONDO:0019567, OMIM 130000.

Allele frequency attached by ClinVar (database versions not stated): gnomAD exomes below 0.00001.
gnomAD v4.1: 3 of 1,606,014 alleles (0.00019%); highest among the groups gnomAD compares: Non-Finnish European, 0.00025%; no homozygotes.

Submissions (2):

Labcorp Genetics (formerly Invitae), Labcorp
Classification: Likely benign for Ehlers-Danlos syndrome, classic type, 1. Last evaluated: 2021-09-08. Review status: criteria provided, single submitter. Criteria: Invitae Variant Classification Sherloc (09022015). Collection method: clinical testing. Allele origin: germline.

ARUP Laboratories, Molecular Genetics and Genomics, ARUP Laboratories
Classification: Likely benign. Last evaluated: 2017-05-03. Review status: criteria provided, single submitter. Criteria: ARUP Molecular Germline Variant Investigation Process. Collection method: clinical testing. Allele origin: germline.
Comment: The c.3348G>A variant is absent from general population databases such as 1000 Genomes, NHLBI GO Exome Sequencing Project (ESP) , and the Exome Aggregation Consortium (ExAC) browser. However, it does not alter the amino acid sequence of the COL5A2 protein and computational splice site prediction algorithms do not predict a change in the nearest splice site or creation of a cryptic splice site. This variant has not been reported in association with aortopathy in medical literature or in gene specific variation databases. Based on these observations, the c.3348G>A variant is likely to be benign.

NM_000393.5(COL5A2):c.3348G>A (p.Gly1116=)

Gene: COL5A2 (collagen type V alpha 2 chain; minus strand). Cytogenetic location: 2q32.2.
Variant type: single nucleotide variant.
Coding change: c.3348G>A on transcript NM_000393.5 (MANE Select); coding-DNA position 3348, G replaced by A.
Protein change: p.Gly1116=; no amino-acid change (glycine 1116 retained).
Molecular consequence: synonymous variant.
Genome position (GRCh38, 1-based): chr2:189,045,194, C>T on the plus strand (G>A on the coding strand, the complement: COL5A2 is on the minus strand). VCF-style: chr2-189045194-C-T. GRCh37 (hg19) VCF-style: chr2-189909920-C-T.
Identifiers: ClinVar variation 439547 (VCV000439547.15), dbSNP rs1553513577, ClinGen allele CA430321091.